The following is an entry in ClinVar:

NM_000216.4(ANOS1):c.621A>G (p.Lys207=)

Gene: ANOS1 (anosmin 1; minus strand). Cytogenetic location: Xp22.31.
Variant type: single nucleotide variant.
Coding change: c.621A>G on transcript NM_000216.4 (MANE Select); coding-DNA position 621, A replaced by G.
Protein change: p.Lys207=; no amino-acid change (lysine 207 retained).
Molecular consequence: synonymous variant.
Genome position (GRCh38, 1-based): chrX:8,587,899, T>C on the plus strand (A>G on the coding strand, the complement: ANOS1 is on the minus strand). VCF-style: chrX-8587899-T-C. GRCh37 (hg19) VCF-style: chrX-8555940-T-C.
Identifiers: ClinVar variation 3042004 (VCV003042004.3), dbSNP rs149536078, ClinGen allele CA10343776.

ClinVar aggregate classification (germline): Likely benign. Review status: criteria provided, single submitter (1 of 4 stars). 2 submissions from 2 submitters: Likely benign (1). 1 of the submissions does not count toward it. Last evaluated 2024-07-22.

Conditions:
ANOS1-related disorder. Also called: ANOS1-related condition.

Allele frequency attached by ClinVar (database versions not stated): gnomAD 0.00002; ExAC 0.00003; TOPMed 0.00004; ESP Exome Variant Server 0.00009.
gnomAD v4.1: 30 of 1,205,264 alleles (0.0025%); highest among the groups gnomAD compares: Non-Finnish European, 0.0034%; no homozygotes.

Submissions (2):

Blueprint Genetics
Classification: Likely benign. Last evaluated: 2024-07-22. Review status: criteria provided, single submitter. Criteria: ACMG Guidelines, 2015. Collection method: clinical testing. Allele origin: germline.

PreventionGenetics, part of Exact Sciences
Classification: Likely benign for ANOS1-related condition. Last evaluated: 2019-05-21. Review status: no assertion criteria provided. Collection method: clinical testing. Allele origin: germline. Not counted in ClinVar's aggregate classification.
Comment: This variant is classified as likely benign based on ACMG/AMP sequence variant interpretation guidelines (Richards et al. 2015 PMID: 25741868, with internal and published modifications).